The following is an entry in ClinVar:

NM_001145026.2(PTPRQ):c.6095G>A (p.Arg2032His)

Gene: PTPRQ (protein tyrosine phosphatase receptor type Q; plus strand). Cytogenetic location: 12q21.31.
Variant type: single nucleotide variant.
Coding change: c.6095G>A on transcript NM_001145026.2 (MANE Select); coding-DNA position 6095, G replaced by A.
Protein change: p.Arg2032His; replaces arginine 2032 with histidine.
Molecular consequence: missense variant.
Genome position (GRCh38, 1-based): chr12:80,652,814, G>A. VCF-style: chr12-80652814-G-A. GRCh37 (hg19) VCF-style: chr12-81046593-G-A.
Other names: short protein forms R2032H.
Identifiers: ClinVar variation 4086488 (VCV004086488.1).

ClinVar aggregate classification (germline): Uncertain significance (1 of 4 stars; one submission).

gnomAD v4.1: 86 of 1,504,630 alleles (0.0057%); highest among the groups gnomAD compares: South Asian, 0.07%; no homozygotes.

Submission:

GeneDx
Classification: Uncertain significance. Last evaluated: 2025-03-20. Review status: criteria provided, single submitter. Criteria: GeneDx Variant Classification Process June 2021. Collection method: clinical testing. Allele origin: germline. Affected: yes.
Comment: In silico analysis supports that this missense variant has a deleterious effect on protein structure/function; Has not been previously published as pathogenic or benign to our knowledge